The following is an entry in ClinVar:

ClinVar aggregate classification (germline): Conflicting classifications of pathogenicity. Review status: criteria provided, conflicting classifications (1 of 4 stars). 5 submissions from 5 submitters: Uncertain significance (1); Likely benign (3). 1 of the submissions does not count toward it. Last evaluated 2026-06-01.

Conditions:
NUS1-related disorder. Also called: NUS1-related condition; NUS1-Related Disorders. Identifiers: MedGen CN382504, MONDO:1060287.
Intellectual developmental disorder, autosomal dominant 55, with seizures. Also called: MENTAL RETARDATION, AUTOSOMAL DOMINANT 55, WITH SEIZURES; Intellectual disability, autosomal dominant 55, with seizures. Identifiers: MedGen C4693371, MONDO:0030921, OMIM 617831.
Congenital disorder of glycosylation, type Iaa. Also called: Congenital disorder of glycosylation, type 1aa. Identifiers: MedGen C4310727, MONDO:0014904, OMIM 617082.

Allele frequency attached by ClinVar (database versions not stated): 1000 Genomes Project 30x 0.00016; 1000 Genomes Project 0.00020; gnomAD 0.00111 and 0.00116; ESP Exome Variant Server 0.00123; TOPMed 0.00131; gnomAD exomes 0.00137 and 0.00166; ExAC 0.00156.
gnomAD v4.1: 2,580 of 1,612,386 alleles (0.16%); highest among the groups gnomAD compares: Non-Finnish European, 0.19%; 7 homozygotes.

Submissions (5):

CeGaT Center for Human Genetics Tuebingen
Classification: Likely benign. Last evaluated: 2026-06-01. Review status: criteria provided, single submitter. Criteria: CeGaT Center For Human Genetics Tuebingen Variant Classification Criteria Version 2. Collection method: clinical testing. Allele origin: germline. Affected: yes. Observed: 15 variant alleles.
Comment: NUS1: BP4

Labcorp Genetics (formerly Invitae), Labcorp
Classification: Likely benign for Congenital disorder of glycosylation, type Iaa. Last evaluated: 2026-02-03. Review status: criteria provided, single submitter. Criteria: Invitae Variant Classification Sherloc (09022015). Collection method: clinical testing. Allele origin: germline.

Blueprint Genetics
Classification: Likely benign. Last evaluated: 2024-11-12. Review status: criteria provided, single submitter. Criteria: ACMG Guidelines, 2015. Collection method: clinical testing. Allele origin: germline.

Baylor Genetics
Classification: Uncertain significance for Intellectual developmental disorder, autosomal dominant 55, with seizures. Last evaluated: 2018-10-04. Review status: criteria provided, single submitter. Criteria: ACMG Guidelines, 2015. Collection method: clinical testing. Allele origin: paternal. Affected: yes.
Comment: This variant was determined to be of uncertain significance according to ACMG Guidelines, 2015 [PMID:25741868].

PreventionGenetics, part of Exact Sciences
Classification: Likely benign for NUS1-related condition. Last evaluated: 2023-05-01. Review status: no assertion criteria provided. Collection method: clinical testing. Allele origin: germline. Not counted in ClinVar's aggregate classification.
Comment: This variant is classified as likely benign based on ACMG/AMP sequence variant interpretation guidelines (Richards et al. 2015 PMID: 25741868, with internal and published modifications).

NM_138459.5(NUS1):c.506C>G (p.Pro169Arg)

Gene: NUS1 (NUS1 dehydrodolichyl diphosphate synthase subunit; plus strand). Cytogenetic location: 6q22.1.
Variant type: single nucleotide variant.
Coding change: c.506C>G on transcript NM_138459.5 (MANE Select); coding-DNA position 506, C replaced by G.
Protein change: p.Pro169Arg; replaces proline 169 with arginine.
Molecular consequence: missense variant.
Genome position (GRCh38, 1-based): chr6:117,693,132, C>G. VCF-style: chr6-117693132-C-G. GRCh37 (hg19) VCF-style: chr6-118014295-C-G.
Other names: short protein forms P169R.
Identifiers: ClinVar variation 569348 (VCV000569348.39), dbSNP rs150646335, ClinGen allele CA3977111.